The following is an entry in ClinVar:

ClinVar aggregate classification (germline): Pathogenic. Review status: criteria provided, multiple submitters, no conflicts (2 of 4 stars). 2 submissions from 2 submitters: Pathogenic (2). Last evaluated 2024-06-07.

Conditions:
Mucopolysaccharidosis, MPS-II (MPS2). Also called: Mucopolysaccharidosis type 2; IDS deficiency; Sulfoiduronate sulfatase deficiency; SIDS deficiency; Mucopolysaccharidosis with skin involvement; Hunter Syndrome. Identifiers: Orphanet 580, Orphanet 79388, MedGen C0026705, MONDO:0010674, OMIM 309900.

Submissions (2):

Laboratory of Diagnosis and Therapy of Lysosomal Disorders, University of Padova
Classification: Pathogenic for Mucopolysaccharidosis, MPS-II. Last evaluated: 2024-06-07. Review status: criteria provided, single submitter. Criteria: ACMG Guidelines, 2015. Collection method: literature only. Allele origin: germline. Affected: yes. Observed: 2 variant alleles.
Comment: Null variant (PVS1_Strong), Absent from controls (or at low frequency) in gnomAD database (PM2_Moderate), Patient’s phenotype or family history highly specific for the disease (PP4_Strong)

Classification method: ACMG Guidelines [PMID:25741868] with modifications

Labcorp Genetics (formerly Invitae), Labcorp
Classification: Pathogenic for Mucopolysaccharidosis, MPS-II. Last evaluated: 2021-07-24. Review status: criteria provided, single submitter. Criteria: Invitae Variant Classification Sherloc (09022015). Collection method: clinical testing. Allele origin: germline.
Comment: For these reasons, this variant has been classified as Pathogenic. This variant disrupts a region of the IDS protein in which other variant(s) (p.Gln531*) have been determined to be pathogenic (PMID: 7581397). This suggests that this is a clinically significant region of the protein, and that variants that disrupt it are likely to be disease-causing. This variant is also known as c.1587~1588insT . This premature translational stop signal has been observed in individual(s) with mucopolysaccharidosis type II (PMID: 17284421; external communication). This variant is not present in population databases (ExAC no frequency). This sequence change creates a premature translational stop signal (p.Leu530Phefs*8) in the IDS gene. While this is not anticipated to result in nonsense mediated decay, it is expected to disrupt the last 21 amino acid(s) of the IDS protein.

Literature cited by the submitters: PubMed 17284421 (cited by Laboratory of Diagnosis and Therapy of Lysosomal Disorders, University of Padova and Labcorp Genetics (formerly Invitae), Labcorp); PubMed 36945845 (cited by Laboratory of Diagnosis and Therapy of Lysosomal Disorders, University of Padova); PubMed 7581397 (cited by Labcorp Genetics (formerly Invitae), Labcorp).

NM_000202.8(IDS):c.1589dup (p.Leu530fs)

Gene: IDS (iduronate 2-sulfatase; minus strand). Cytogenetic location: Xq28.
Variant type: Duplication.
Coding change: c.1589dup on transcript NM_000202.8 (MANE Select); coding-DNA position 1589, one base duplicated (T; older notation c.1589dupT).
Protein change: p.Leu530fs; shifts the reading frame from leucine 530.
Molecular consequence: frameshift variant.
Genome position (GRCh38, 1-based): chrX:149,482,810, A duplicated on the plus strand (T on the coding strand, the reverse complement: IDS is on the minus strand); the first of 2 consecutive A bases (chrX:149,482,810-149,482,811); duplicating either gives the same sequence. VCF-style (leftmost placement, unchanged base first): chrX-149482809-C-CA. GRCh37 (hg19) VCF-style: chrX-148564340-C-CA.
Other names: c.1319dup, p.Leu440fs (NM_001166550.4); short protein forms L530fs, L440fs.
Identifiers: ClinVar variation 1455705 (VCV001455705.8), dbSNP rs2124648266, ClinGen allele CA2573159286.